The following is an entry in ClinVar:

ClinVar aggregate classification (germline): Uncertain significance (1 of 4 stars; one submission).

Submission:

GeneDx
Classification: Uncertain significance. Last evaluated: 2019-09-06. Review status: criteria provided, single submitter. Criteria: GeneDx Variant Classification Process June 2021. Collection method: clinical testing. Allele origin: germline. Affected: yes.
Comment: Not observed in large population cohorts (Lek et al., 2016); In silico analysis, which includes protein predictors and evolutionary conservation, supports that this variant does not alter protein structure/function; Has not been previously published as pathogenic or benign to our knowledge

NM_018051.5(DYNC2I1):c.1850G>A (p.Arg617Lys)

Gene: DYNC2I1 (dynein 2 intermediate chain 1; plus strand). Cytogenetic location: 7q36.3.
Variant type: single nucleotide variant.
Coding change: c.1850G>A on transcript NM_018051.5 (MANE Select); coding-DNA position 1850, G replaced by A.
Protein change: p.Arg617Lys; replaces arginine 617 with lysine.
Molecular consequence: missense variant.
Genome position (GRCh38, 1-based): chr7:158,918,798, G>A. VCF-style: chr7-158918798-G-A. GRCh37 (hg19) VCF-style: chr7-158711489-G-A.
Other names: c.1712G>A, p.Arg571Lys (NM_001350914.2); c.1277G>A, p.Arg426Lys (NM_001350915.2); c.389G>A, p.Arg130Lys (NM_001350916.2); c.602G>A, p.Arg201Lys (NM_001350917.2, NM_001350918.2); short protein forms R130K, R201K, R426K, R571K, R617K.
Identifiers: ClinVar variation 1311230 (VCV001311230.2), dbSNP rs772127693, ClinGen allele CA370193525.
Genomic context (GRCh38, chr7:158,918,798, plus strand): 5'-AGGTGATGGCCGTTTTGCTGGAAGAGGATCGCTTGGCAGCTGAACCCAGCTGGAATCTTA[G>A]GGCTCAAGACAGGGCCCTGTATTTTAGTGACAGCTCATCTCAGCTGAACACCAGTCTACC-3'
Protein context (NP_060521.4, residues 607-627): RLAAEPSWNL[Arg617Lys]AQDRALYFSD